The following is an entry in ClinVar:

NM_170606.3(KMT2C):c.4629delinsCC (p.Thr1545fs)

Gene: KMT2C (lysine methyltransferase 2C; minus strand). Cytogenetic location: 7q36.1.
Variant type: Indel.
Coding change: c.4629delinsCC on transcript NM_170606.3 (MANE Select); coding-DNA position 4629, A replaced by CC.
Protein change: p.Thr1545fs; shifts the reading frame from threonine 1545.
Molecular consequence: frameshift variant.
Genome position (GRCh38, 1-based): chr7:152,194,040, T replaced by GG on the plus strand (A replaced by CC on the coding strand, the reverse complement: KMT2C is on the minus strand). VCF-style: chr7-152194040-T-GG. GRCh37 (hg19) VCF-style: chr7-151891125-T-GG.
Other names: short protein forms T1545fs.
Identifiers: ClinVar variation 1334576 (VCV001334576.4), dbSNP rs2129128809, ClinGen allele CA2573052843.

ClinVar aggregate classification (germline): Likely pathogenic (1 of 4 stars; one submission).

Conditions:
Kleefstra syndrome 2 (KLEFS2). Identifiers: MedGen C4540395, MONDO:0054701, OMIM 617768.

Submission:

Greenwood Genetic Center Diagnostic Laboratories, Greenwood Genetic Center
Classification: Likely pathogenic for Kleefstra syndrome 2. Last evaluated: 2021-09-23. Review status: criteria provided, single submitter. Criteria: ACMG Guidelines, 2015. Collection method: clinical testing. Allele origin: germline. Affected: yes.
Comment: PVS1, PM2